The following is an entry in ClinVar:

NM_000051.4(ATM):c.2720del (p.Cys907fs)

Gene: ATM (ATM serine/threonine kinase; plus strand). Cytogenetic location: 11q22.3.
Variant type: Deletion.
Coding change: c.2720del on transcript NM_000051.4 (MANE Select); coding-DNA position 2720, one base deleted (G; older notation c.2720delG).
Protein change: p.Cys907fs; shifts the reading frame from cysteine 907.
Molecular consequence: frameshift variant.
Genome position (GRCh38, 1-based): chr11:108,268,491, G deleted. VCF-style (leftmost placement, unchanged base first): chr11-108268490-TG-T. GRCh37 (hg19) VCF-style: chr11-108139217-TG-T.
Other names: c.2720del, p.Cys907fs (NM_001351834.2); c.2720del (NM_000051.3); short protein forms C907fs.
Identifiers: ClinVar variation 1075705 (VCV001075705.8), dbSNP rs2135524751, ClinGen allele CA2499220585.

ClinVar aggregate classification (germline): Pathogenic. Review status: criteria provided, multiple submitters, no conflicts (2 of 4 stars). 2 submissions from 2 submitters: Pathogenic (2). Last evaluated 2021-12-15.

Conditions:
Familial cancer of breast. Also called: BREAST CANCER, FAMILIAL; hereditary breast carcinoma; Hereditary breast cancer. Identifiers: Orphanet 227535, MedGen C0346153, MONDO:0016419, OMIM 114480. Disease mechanism: loss of function.
Ataxia-telangiectasia syndrome (AT). Also called: Cerebello-oculocutaneous telangiectasia; Immunodeficiency with ataxia telangiectasia; ATAXIA-TELANGIECTASIA, FRESNO VARIANT; Ataxia-telangiectasia, complementation group D; Ataxia telangiectasia (A-T); LOUIS-BAR SYNDROME. Identifiers: Orphanet 100, MedGen C0004135, MONDO:0008840, OMIM 208900.

Submissions (2):

Department of Pathology and Laboratory Medicine, Sinai Health System
Classification: Pathogenic for Familial cancer of breast. Last evaluated: 2021-12-15. Review status: criteria provided, single submitter. Criteria: ACMG Guidelines, 2015. Collection method: clinical testing. Allele origin: germline. Affected: yes.

Labcorp Genetics (formerly Invitae), Labcorp
Classification: Pathogenic for Ataxia-telangiectasia syndrome. Last evaluated: 2020-10-19. Review status: criteria provided, single submitter. Criteria: Invitae Variant Classification Sherloc (09022015). Collection method: clinical testing. Allele origin: germline.
Comment: This sequence change creates a premature translational stop signal (p.Cys907Leufs*2) in the ATM gene. It is expected to result in an absent or disrupted protein product. Loss-of-function variants in ATM are known to be pathogenic (PMID: 23807571, 25614872). For these reasons, this variant has been classified as Pathogenic. This variant has not been reported in the literature in individuals with ATM-related conditions. This variant is not present in population databases (ExAC no frequency).

Literature cited by the submitters: PubMed 23807571 (cited by Labcorp Genetics (formerly Invitae), Labcorp); PubMed 25614872 (cited by Labcorp Genetics (formerly Invitae), Labcorp).